The following is an entry in ClinVar:

NM_014014.5(SNRNP200):c.5978G>A (p.Arg1993Gln)

Gene: SNRNP200 (small nuclear ribonucleoprotein U5 subunit 200; minus strand). Cytogenetic location: 2q11.2.
Variant type: single nucleotide variant.
Coding change: c.5978G>A on transcript NM_014014.5 (MANE Select); coding-DNA position 5978, G replaced by A.
Protein change: p.Arg1993Gln; replaces arginine 1993 with glutamine.
Molecular consequence: missense variant.
Genome position (GRCh38, 1-based): chr2:96,277,195, C>T on the plus strand (G>A on the coding strand, the complement: SNRNP200 is on the minus strand). VCF-style: chr2-96277195-C-T. GRCh37 (hg19) VCF-style: chr2-96942933-C-T.
Other names: c.5978G>A (NM_014014.4); short protein forms R1993Q.
Identifiers: ClinVar variation 3654795 (VCV003654795.3).

ClinVar aggregate classification (germline): Uncertain significance. Review status: criteria provided, multiple submitters, no conflicts (2 of 4 stars). 2 submissions from 2 submitters: Uncertain significance (2). Last evaluated 2025-09-10.

Conditions:
Inborn genetic diseases. Identifiers: MedGen C0950123, MeSH D030342.

gnomAD v4.1: 1 of 1,614,152 alleles (0.000062%); highest among the groups gnomAD compares: Non-Finnish European, 0.000085%; no homozygotes.

Submissions (2):

Ambry Genetics
Classification: Uncertain significance for Inborn genetic diseases. Last evaluated: 2025-09-10. Review status: criteria provided, single submitter. Criteria: Ambry Variant Classification Scheme 2023. Collection method: clinical testing. Allele origin: germline.

Labcorp Genetics (formerly Invitae), Labcorp
Classification: Uncertain significance. Last evaluated: 2024-12-24. Review status: criteria provided, single submitter. Criteria: Invitae Variant Classification Sherloc (09022015). Collection method: clinical testing. Allele origin: germline.
Comment: This sequence change replaces arginine, which is basic and polar, with glutamine, which is neutral and polar, at codon 1993 of the SNRNP200 protein (p.Arg1993Gln). This variant is not present in population databases (gnomAD no frequency). This variant has not been reported in the literature in individuals affected with SNRNP200-related conditions. Invitae Evidence Modeling of protein sequence and biophysical properties (such as structural, functional, and spatial information, amino acid conservation, physicochemical variation, residue mobility, and thermodynamic stability) has been performed for this missense variant. However, the output from this modeling did not meet the statistical confidence thresholds required to predict the impact of this variant on SNRNP200 protein function. In summary, the available evidence is currently insufficient to determine the role of this variant in disease. Therefore, it has been classified as a Variant of Uncertain Significance.